The following is an entry in ClinVar:

NM_001083962.2(TCF4):c.659G>T (p.Gly220Val)

Gene: TCF4 (transcription factor 4; minus strand). Cytogenetic location: 18q21.2.
Variant type: single nucleotide variant.
Coding change: c.659G>T on transcript NM_001083962.2 (MANE Select); coding-DNA position 659, G replaced by T.
Protein change: p.Gly220Val; replaces glycine 220 with valine.
Molecular consequence: missense variant.
Genome position (GRCh38, 1-based): chr18:55,275,749, C>A on the plus strand (G>T on the coding strand, the complement: TCF4 is on the minus strand). VCF-style: chr18-55275749-C-A. GRCh37 (hg19) VCF-style: chr18-52942980-C-A.
Other names: c.965G>T, p.Gly322Val (NM_001243226.3); c.587G>T, p.Gly196Val (NM_001243227.2, NM_001306207.1, NM_001348217.1 and 9 more transcripts); c.677G>T, p.Gly226Val (NM_001243228.2); c.653G>T, p.Gly218Val (NM_001243230.2); c.533G>T, p.Gly178Val (NM_001243231.2, NM_001348211.2); c.446G>T, p.Gly149Val (NM_001243232.1, NM_001306208.1); c.269G>T, p.Gly90Val (NM_001243233.2, NM_001330605.3, NM_001348212.2 and 1 more transcripts); c.179G>T, p.Gly60Val (NM_001243234.2, NM_001243235.2, NM_001243236.2 and 2 more transcripts); and 4 more; short protein forms G149V, G178V, G195V, G196V, G218V, G219V, G220V, G226V.
Identifiers: ClinVar variation 4873618 (VCV004873618.2).
Genomic context (GRCh38, chr18:55,275,749, plus strand): 5'-CCTGCATAGCCAGGCTGATTCATCCCACTGGAGGAGCTCCAAGGGTCACTGCTGTGATGG[C>A]CATCTGTAAAGGACAAAGACAACCATGACTTTCTGAGGCATTCAGCCTTGCCTTATAGAA-3'
Protein context (NP_001077431.1, residues 210-230): TFPSSFFMQD[Gly220Val]HHSSDPWSSS

ClinVar aggregate classification (germline): Likely benign (1 of 4 stars; one submission).

Submission:

CeGaT Center for Human Genetics Tuebingen
Classification: Likely benign. Last evaluated: 2026-05-01. Review status: criteria provided, single submitter. Criteria: CeGaT Center For Human Genetics Tuebingen Variant Classification Criteria Version 2. Collection method: clinical testing. Allele origin: germline. Affected: yes. Observed: 1 variant allele.
Comment: TCF4: PM2, BS2